The following is an entry in ClinVar:

NM_031924.8(RSPH3):c.-88_-86del

Gene: RSPH3 (radial spoke head 3; minus strand). Cytogenetic location: 6q25.3.
Variant type: Deletion.
Coding change: c.-88_-86del on transcript NM_031924.8 (MANE Select); 88 bases upstream of the start codon through 86 bases upstream of the start codon, 3 bases deleted (CTT; older notation c.-88_-86delCTT).
Molecular consequence: 5 prime UTR variant. On other transcripts: nonsense (1), non-coding transcript variant (1).
Genome position (GRCh38, 1-based): chr6:158,999,636-158,999,638, AAG deleted on the plus strand (CTT on the coding strand, the reverse complement: RSPH3 is on the minus strand). VCF-style (leftmost placement, unchanged base first): chr6-158999635-TAAG-T. GRCh37 (hg19) VCF-style: chr6-159420667-TAAG-T.
Other names: c.339_341del, p.Tyr113_Leu114delinsTer (NM_001346418.1).
Identifiers: ClinVar variation 2804278 (VCV002804278.3), dbSNP rs1778783139, ClinGen allele CA1676383718.

ClinVar aggregate classification (germline): Pathogenic (1 of 4 stars; one submission).

Conditions:
Primary ciliary dyskinesia 32. Also called: CILIARY DYSKINESIA, PRIMARY, 32, WITHOUT SITUS INVERSUS. Identifiers: Orphanet 244, MedGen C4225311, MONDO:0014657, OMIM 616481.

Allele frequency attached by ClinVar (database versions not stated): TOPMed below 0.00001.

Submission:

Labcorp Genetics (formerly Invitae), Labcorp
Classification: Pathogenic for Primary ciliary dyskinesia 32. Last evaluated: 2023-05-25. Review status: criteria provided, single submitter. Criteria: Invitae Variant Classification Sherloc (09022015). Collection method: clinical testing. Allele origin: germline.
Comment: For these reasons, this variant has been classified as Pathogenic. This variant has not been reported in the literature in individuals affected with RSPH3-related conditions. This variant is not present in population databases (gnomAD no frequency). This sequence change creates a premature translational stop signal (p.Tyr113*) in the RSPH3 gene. It is expected to result in an absent or disrupted protein product. Loss-of-function variants in RSPH3 are known to be pathogenic (PMID: 26073779).

Literature cited by the submitters: PubMed 26073779.